The following is an entry in ClinVar:

NM_001378030.1(CCDC78):c.683A>C (p.Glu228Ala)

Gene: CCDC78 (coiled-coil domain containing 78; minus strand). Cytogenetic location: 16p13.3.
Variant type: single nucleotide variant.
Coding change: c.683A>C on transcript NM_001378030.1 (MANE Select); coding-DNA position 683, A replaced by C.
Protein change: p.Glu228Ala; replaces glutamic acid 228 with alanine.
Molecular consequence: missense variant. On other transcripts: non-coding transcript variant (5), intron variant (1).
Genome position (GRCh38, 1-based): chr16:724,763, T>G on the plus strand (A>C on the coding strand, the complement: CCDC78 is on the minus strand). VCF-style: chr16-724763-T-G. GRCh37 (hg19) VCF-style: chr16-774763-T-G.
Other names: c.683A>C, p.Glu228Ala (NM_001031737.3, NM_001378031.1); c.199-254A>C (NM_001378033.1); short protein forms E228A.
Identifiers: ClinVar variation 566102 (VCV000566102.13), dbSNP rs749951287, ClinGen allele CA7789458.
Genomic context (GRCh38, chr16:724,763, plus strand): 5'-TGCAGCCGTAGGACGTACTCATCCTTCAGTTTCTTGAGCTGCAGCTGCAGCCGGGCATTT[T>G]CAGCCTCTGCCTGACGGAGCTGGCCTTGGCAGCTGCACAGCACCTGGGGTGGAAGCAGCC-3'
Protein context (NP_001364959.1, residues 218-238): CQGQLRQAEA[Glu228Ala]NARLQLQLKK

ClinVar aggregate classification (germline): Conflicting classifications of pathogenicity. Review status: criteria provided, conflicting classifications (1 of 4 stars). 3 submissions from 3 submitters: Uncertain significance (2); Likely benign (1). Last evaluated 2025-02-19.

Conditions:
Congenital myopathy with internal nuclei and atypical cores. Also called: Myopathy, centronuclear, 4. Identifiers: Orphanet 319160, MedGen C4707232, MONDO:0013890, OMIM 614807.

Allele frequency attached by ClinVar (database versions not stated): gnomAD exomes 0.00002 and 0.00003; ExAC 0.00004; TOPMed 0.00004; gnomAD 0.00005; 1000 Genomes Project 30x 0.00031.
gnomAD v4.1: 45 of 1,612,206 alleles (0.0028%); highest among the groups gnomAD compares: Non-Finnish European, 0.0033%; no homozygotes.

Submissions (3):

Labcorp Genetics (formerly Invitae), Labcorp
Classification: Uncertain significance for Congenital myopathy with internal nuclei and atypical cores. Last evaluated: 2025-02-19. Review status: criteria provided, single submitter. Criteria: Invitae Variant Classification Sherloc (09022015). Collection method: clinical testing. Allele origin: germline.
Comment: This sequence change replaces glutamic acid, which is acidic and polar, with alanine, which is neutral and non-polar, at codon 228 of the CCDC78 protein (p.Glu228Ala). This variant is present in population databases (rs749951287, gnomAD 0.007%). This variant has not been reported in the literature in individuals affected with CCDC78-related conditions. ClinVar contains an entry for this variant (Variation ID: 566102). Invitae Evidence Modeling of protein sequence and biophysical properties (such as structural, functional, and spatial information, amino acid conservation, physicochemical variation, residue mobility, and thermodynamic stability) indicates that this missense variant is not expected to disrupt CCDC78 protein function with a negative predictive value of 80%. In summary, the available evidence is currently insufficient to determine the role of this variant in disease. Therefore, it has been classified as a Variant of Uncertain Significance.

Laboratory of Genetics, Children's Clinical University Hospital Latvia
Classification: Likely benign. Last evaluated: 2025-02-16. Review status: criteria provided, single submitter. Criteria: ACMG Guidelines, 2015. Collection method: clinical testing. Allele origin: germline. Affected: yes.

Fulgent Genetics
Classification: Uncertain significance for Congenital myopathy with internal nuclei and atypical cores. Last evaluated: 2018-10-31. Review status: criteria provided, single submitter. Criteria: ACMG Guidelines, 2015. Collection method: clinical testing. Allele origin: unknown.